The following is an entry in ClinVar:

NM_001367721.1(CASK):c.1315-4_1315-1dup

Gene: CASK (calcium/calmodulin dependent serine protein kinase; minus strand). Cytogenetic location: Xp11.4.
Variant type: Duplication.
Coding change: c.1315-4_1315-1dup on transcript NM_001367721.1 (MANE Select); 4 bases into the intron before coding-DNA position 1315 through the canonical splice acceptor site of the intron before coding-DNA position 1315, 4 bases duplicated (CTAG; older notation c.1315-4_1315-1dupCTAG).
Molecular consequence: splice acceptor variant.
Genome position (GRCh38, 1-based): chrX:41,578,529-41,578,532, CTAG duplicated on the plus strand (CTAG on the coding strand, the reverse complement: CASK is on the minus strand). VCF-style (leftmost placement, unchanged base first): chrX-41578528-C-CCTAG. GRCh37 (hg19) VCF-style: chrX-41437781-C-CCTAG.
Other names: c.1315-4_1315-1dup (NM_003688.4, NM_001126054.3); c.1297-4_1297-1dup (NM_001126055.3, NM_001410745.1).
Identifiers: ClinVar variation 4690246 (VCV004690246.1).

ClinVar aggregate classification (germline): Likely pathogenic (1 of 4 stars; one submission).

Conditions:
Syndromic X-linked intellectual disability Najm type (MICPCH). Also called: Mental retardation and microcephaly with pontine and cerebellar hypoplasia; Intellectual Disability and Microcephaly with Pontine and Cerebellar Hypoplasia; MICPCH SYNDROME; Intellectual developmental disorder and microcephaly with pontine and cerebellar hypoplasia; MENTAL RETARDATION, X-LINKED, SYNDROMIC, NAJM TYPE; Intellectual Disability and Microcephaly with Pontine and Cerebellar Hypoplasia (MICPCH). Identifiers: Orphanet 163937, MedGen C2677903, MONDO:0010417, OMIM 300749.

Submission:

Ozbek Human Genetics Laboratory, Izmir Biomedicine and Genome Center
Classification: Likely pathogenic for Syndromic X-linked intellectual disability Najm type. Review status: criteria provided, single submitter. Criteria: ACMG Guidelines, 2015. Collection method: research. Allele origin: germline. Inheritance: X-linked inheritance. Affected: yes. Observed: 1 hemizygote.
Comment: A splice region variant causing a frameshift, (NM_001367721.1):c.1315-4_1315-1dup p.(Ala439Leufs*13), was detected in intron 14 of the CASK gene. This variant results in a null allele in a gene where loss of function is a known mechanism of disease (PVS1). The variant is absent from population databases (PM2). Based on these findings, this variant is classified as Likely Pathogenic according to the ACMG criteria. In the Sanger sequencing analysis, reads appeared hemizygous in both forward and reverse directions up to the relevant duplication site, but were observed to continue as two alleles following the duplication. This finding is considered consistent with somatic mosaicism in the CASK gene, as reported in the literature, particularly in affected male cases or carrier mothers (PMID: 22709267, 25886057, 28783747). Data obtained via the RAREBOOST project (Horizon 2020 ERA Chairs at Izmir Biomedicine and Genome Center - IBG).

Literature cited by the submitters: PubMed 22709267; PubMed 25886057; PubMed 28783747.